The following is an entry in ClinVar:

ClinVar aggregate classification (germline): Uncertain significance. Review status: criteria provided, multiple submitters, no conflicts (2 of 4 stars). 2 submissions from 2 submitters: Uncertain significance (2). Last evaluated 2024-05-28.

Conditions:
Long QT syndrome 1 (LQT1). Identifiers: Orphanet 101016, Orphanet 768, MedGen C4551647, MONDO:0100316, OMIM 192500, MONDO:0008646.

Submissions (2):

Labcorp Genetics (formerly Invitae), Labcorp
Classification: Uncertain significance for Long QT syndrome 1. Last evaluated: 2024-05-28. Review status: criteria provided, single submitter. Criteria: Invitae Variant Classification Sherloc (09022015). Collection method: clinical testing. Allele origin: germline.
Comment: This sequence change replaces arginine, which is basic and polar, with cysteine, which is neutral and slightly polar, at codon 91 of the CALM2 protein (p.Arg91Cys). This variant is not present in population databases (gnomAD no frequency). This variant has not been reported in the literature in individuals affected with CALM2-related conditions. An algorithm developed to predict the effect of missense changes on protein structure and function (PolyPhen-2) suggests that this variant is likely to be tolerated. In summary, the available evidence is currently insufficient to determine the role of this variant in disease. Therefore, it has been classified as a Variant of Uncertain Significance.

Blueprint Genetics
Classification: Uncertain significance. Last evaluated: 2023-07-20. Review status: criteria provided, single submitter. Criteria: ACMG Guidelines, 2015. Collection method: clinical testing. Allele origin: germline.

NM_001743.6(CALM2):c.271C>T (p.Arg91Cys)

Gene: CALM2 (calmodulin 2; minus strand). Cytogenetic location: 2p21.
Variant type: single nucleotide variant.
Coding change: c.271C>T on transcript NM_001743.6 (MANE Select); coding-DNA position 271, C replaced by T.
Protein change: p.Arg91Cys; replaces arginine 91 with cysteine.
Molecular consequence: missense variant.
Genome position (GRCh38, 1-based): chr2:47,162,300, G>A on the plus strand (C>T on the coding strand, the complement: CALM2 is on the minus strand). VCF-style: chr2-47162300-G-A. GRCh37 (hg19) VCF-style: chr2-47389439-G-A.
Other names: c.415C>T, p.Arg139Cys (NM_001305624.1); c.163C>T, p.Arg55Cys (NM_001305625.2, NM_001305626.1); short protein forms R55C, R91C, R139C.
Identifiers: ClinVar variation 3700156 (VCV003700156.3).